The following is an entry in ClinVar:

NM_015409.5(EP400):c.8181A>G (p.Gln2727=)

Gene: EP400 (E1A binding protein p400; plus strand). Cytogenetic location: 12q24.33.
Variant type: single nucleotide variant.
Coding change: c.8181A>G on transcript NM_015409.5 (MANE Select); coding-DNA position 8181, A replaced by G.
Protein change: p.Gln2727=; no amino-acid change (glutamine 2727 retained).
Molecular consequence: synonymous variant.
Genome position (GRCh38, 1-based): chr12:132,062,548, A>G. VCF-style: chr12-132062548-A-G. GRCh37 (hg19) VCF-style: chr12-132547093-A-G.
Identifiers: ClinVar variation 769841 (VCV000769841.8), dbSNP rs10902490, ClinGen allele CA13751700.
Genomic context (GRCh38, chr12:132,062,548, plus strand): 5'-AAAAACCATCACACCTGCACATTTCCAGCTTCTCAGGCAGCAGCAGCAGCAGCAGCAACA[A>G]CAGCAGCAGCAGCAGCAGCAGCAGCAGCAGCAGCAGCAGCAGCAACAGCAGCAGCAGCAA-3'
Protein context (NP_056224.3, residues 2717-2737): LLRQQQQQQQ[Gln2727=]QQQQQQQQQQ

ClinVar aggregate classification (germline): Benign/Likely benign. Review status: criteria provided, multiple submitters, no conflicts (2 of 4 stars). 4 submissions from 4 submitters: Benign (1); Likely benign (2). 1 of the submissions does not count toward it. Last evaluated 2020-04-14.

Conditions:
EP400-related disorder. Also called: EP400-related condition.

Allele frequency attached by ClinVar (database versions not stated): gnomAD exomes 0.06274; gnomAD 0.09283 and 0.09491.
gnomAD v4.1: 102,804 of 1,558,940 alleles (6.6%); highest among the groups gnomAD compares: African/African-American, 17%; 1,131 homozygotes.

Submissions (4):

GeneDx
Classification: Benign. Last evaluated: 2020-04-14. Review status: criteria provided, single submitter. Criteria: GeneDx Variant Classification Process June 2021. Collection method: clinical testing. Allele origin: germline. Affected: yes.

Labcorp Genetics (formerly Invitae), Labcorp
Classification: Likely benign. Last evaluated: 2019-12-31. Review status: criteria provided, single submitter. Criteria: Invitae Variant Classification Sherloc (09022015). Collection method: clinical testing. Allele origin: germline.

Breakthrough Genomics
Classification: Likely benign. Review status: criteria provided, single submitter. Criteria: ACMG Guidelines, 2015. Collection method: not provided. Allele origin: germline. Inheritance: Unknown mechanism. Affected: yes.

PreventionGenetics, part of Exact Sciences
Classification: Likely benign for EP400-related condition. Last evaluated: 2021-06-19. Review status: no assertion criteria provided. Collection method: clinical testing. Allele origin: germline. Not counted in ClinVar's aggregate classification.
Comment: This variant is classified as likely benign based on ACMG/AMP sequence variant interpretation guidelines (Richards et al. 2015 PMID: 25741868, with internal and published modifications).